The following is an entry in ClinVar:

NM_001366722.1(GRIP1):c.1061A>T (p.Asp354Val)

Gene: GRIP1 (glutamate receptor interacting protein 1; minus strand). Cytogenetic location: 12q14.3.
Variant type: single nucleotide variant.
Coding change: c.1061A>T on transcript NM_001366722.1 (MANE Select); coding-DNA position 1061, A replaced by T.
Protein change: p.Asp354Val; replaces aspartic acid 354 with valine.
Molecular consequence: missense variant. On other transcripts: intron variant (8).
Genome position (GRCh38, 1-based): chr12:66,456,324, T>A on the plus strand (A>T on the coding strand, the complement: GRIP1 is on the minus strand). VCF-style: chr12-66456324-T-A. GRCh37 (hg19) VCF-style: chr12-66850104-T-A.
Other names: c.1139A>T, p.Asp380Val (NM_001379345.1); c.1061A>T, p.Asp354Val (NM_001379346.1); c.1064A>T, p.Asp355Val (NM_001439322.1, NM_001439323.1); c.1046-763A>T (NM_001379351.1); c.1046-760A>T (NM_001379349.1); c.1121-763A>T (NM_001379348.1, NM_001366723.1); c.1121-760A>T (NM_001379347.1, NM_001366724.1); c.1043-760A>T (NM_001178074.2, NM_021150.4); short protein forms D380V, D354V, D355V.
Identifiers: ClinVar variation 4986937 (VCV004986937.1).

ClinVar aggregate classification (germline): Likely benign (1 of 4 stars; one submission).

Conditions:
GRIP1-related disorder. Also called: GRIP1-related condition.

Submission:

PreventionGenetics, part of Exact Sciences
Classification: Likely benign for GRIP1-related condition. Last evaluated: 2026-02-11. Review status: criteria provided, single submitter. Criteria: ACMG Guidelines, 2015. Collection method: clinical testing. Allele origin: germline.
Comment: This variant is classified as likely benign based on ACMG/AMP sequence variant interpretation guidelines (Richards et al. 2015 PMID: 25741868, with internal and published modifications).